The following is an entry in ClinVar:

NM_153460.4(IL17RC):c.1007del (p.Asp336fs)

Gene: IL17RC (interleukin 17 receptor C; plus strand). Cytogenetic location: 3p25.3.
Variant type: Deletion.
Coding change: c.1007del on transcript NM_153460.4 (MANE Select); coding-DNA position 1007, one base deleted (A; older notation c.1007delA).
Protein change: p.Asp336fs; shifts the reading frame from aspartic acid 336.
Molecular consequence: frameshift variant. On other transcripts: non-coding transcript variant (1).
Genome position (GRCh38, 1-based): chr3:9,928,434, A deleted. VCF-style (leftmost placement, unchanged base first): chr3-9928433-GA-G. GRCh37 (hg19) VCF-style: chr3-9970117-GA-G.
Other names: c.1007del, p.Asp336fs (NM_001203263.2, NM_001203264.2); c.962del, p.Asp321fs (NM_001203265.2, NM_001367280.1, NM_032732.6); c.968del, p.Asp323fs (NM_001367278.1); c.887del, p.Asp296fs (NM_001367279.1); c.1220del, p.Asp407fs (NM_153461.4); short protein forms D407fs, D296fs, D321fs, D323fs, D336fs.
Identifiers: ClinVar variation 1421084 (VCV001421084.6), dbSNP rs1422964035, ClinGen allele CA784180585.

ClinVar aggregate classification (germline): Uncertain significance (1 of 4 stars; one submission).

Conditions:
Candidiasis, familial, 9 (CANDF9). Identifiers: Orphanet 1334, MedGen C4225324, MONDO:0014642, OMIM 616445.

Submission:

Labcorp Genetics (formerly Invitae), Labcorp
Classification: Uncertain significance for Candidiasis, familial, 9. Last evaluated: 2023-07-07. Review status: criteria provided, single submitter. Criteria: Invitae Variant Classification Sherloc (09022015). Collection method: clinical testing. Allele origin: germline.
Comment: In summary, the available evidence is currently insufficient to determine the role of this variant in disease. Therefore, it has been classified as a Variant of Uncertain Significance. ClinVar contains an entry for this variant (Variation ID: 1421084). This variant has not been reported in the literature in individuals affected with IL17RC-related conditions. This variant is not present in population databases (gnomAD no frequency). This sequence change creates a premature translational stop signal (p.Asp407Alafs*26) in the IL17RC gene. It is expected to result in an absent or disrupted protein product. However, the current clinical and genetic evidence is not sufficient to establish whether loss-of-function variants in IL17RC cause disease.